The following is an entry in ClinVar:

NM_022369.4(STRA6):c.973G>T (p.Val325Leu)

Gene: STRA6 (signaling receptor and transporter of retinol STRA6; minus strand). Cytogenetic location: 15q24.1.
Variant type: single nucleotide variant.
Coding change: c.973G>T on transcript NM_022369.4 (MANE Select); coding-DNA position 973, G replaced by T.
Protein change: p.Val325Leu; replaces valine 325 with leucine.
Molecular consequence: missense variant.
Genome position (GRCh38, 1-based): chr15:74,189,232, C>A on the plus strand (G>T on the coding strand, the complement: STRA6 is on the minus strand). VCF-style: chr15-74189232-C-A. GRCh37 (hg19) VCF-style: chr15-74481573-C-A.
Other names: c.973G>T, p.Val325Leu (NM_001142617.2, NM_001142618.2); c.946G>T, p.Val316Leu (NM_001142619.2); c.1084G>T, p.Val362Leu (NM_001199040.2); c.1018G>T, p.Val340Leu (NM_001199041.2); c.1090G>T, p.Val364Leu (NM_001199042.2); short protein forms V340L, V362L, V325L, V364L, V316L.
Identifiers: ClinVar variation 800268 (VCV000800268.12), dbSNP rs202174410, ClinGen allele CA7654734.

ClinVar aggregate classification (germline): Conflicting classifications of pathogenicity. Review status: criteria provided, conflicting classifications (1 of 4 stars). 3 submissions from 3 submitters: Uncertain significance (1); Likely benign (1). 1 of the submissions does not count toward it. Last evaluated 2025-02-05.

Conditions:
Microphthalmia, syndromic 9. Also called: Matthew-Wood syndrome; ANOPHTHALMIA, CLINICAL, WITH MILD FACIAL DYSMORPHISM AND VARIABLE MALFORMATIONS OF THE LUNG, HEART, AND DIAPHRAGM; ANOPHTHALMIA/MICROPHTHALMIA AND PULMONARY HYPOPLASIA; PULMONARY AGENESIS, MICROPHTHALMIA, AND DIAPHRAGMATIC DEFECT; SPEAR SYNDROME. Identifiers: Orphanet 2470, MedGen C1832661, MONDO:0011010, OMIM 601186.
STRA6-related disorder. Also called: STRA6-related condition.
Inborn genetic diseases. Identifiers: MedGen C0950123, MeSH D030342.

Allele frequency attached by ClinVar (database versions not stated): gnomAD exomes 0.00005 and 0.00015; ExAC 0.00016; ESP Exome Variant Server 0.00031; gnomAD 0.00062 and 0.00067; TOPMed 0.00066; 1000 Genomes Project 0.00080; 1000 Genomes Project 30x 0.00094.
gnomAD v4.1: 170 of 1,610,204 alleles (0.011%); highest among the groups gnomAD compares: African/African-American, 0.21%; no homozygotes.

Submissions (3):

Ambry Genetics
Classification: Uncertain significance for Inborn genetic diseases. Last evaluated: 2025-02-05. Review status: criteria provided, single submitter. Criteria: Ambry Variant Classification Scheme 2023. Collection method: clinical testing. Allele origin: germline.

Labcorp Genetics (formerly Invitae), Labcorp
Classification: Likely benign for Microphthalmia, syndromic 9. Last evaluated: 2022-03-13. Review status: criteria provided, single submitter. Criteria: Invitae Variant Classification Sherloc (09022015). Collection method: clinical testing. Allele origin: germline.

PreventionGenetics, part of Exact Sciences
Classification: Likely benign for STRA6-related condition. Last evaluated: 2022-07-06. Review status: no assertion criteria provided. Collection method: clinical testing. Allele origin: germline. Not counted in ClinVar's aggregate classification.
Comment: This variant is classified as likely benign based on ACMG/AMP sequence variant interpretation guidelines (Richards et al. 2015 PMID: 25741868, with internal and published modifications).